The following is an entry in ClinVar:

ClinVar aggregate classification (germline): Conflicting classifications of pathogenicity. Review status: criteria provided, conflicting classifications (1 of 4 stars). 3 submissions from 3 submitters: Uncertain significance (2); Likely benign (1). Last evaluated 2024-01-30.

Conditions:
Inborn genetic diseases. Identifiers: MedGen C0950123, MeSH D030342.
Meckel-Gruber syndrome. Also called: DYSENCEPHALIA SPLANCHNOCYSTICA; GRUBER SYNDROME; Dysencephalia splachnocystica. Identifiers: Orphanet 564, MedGen C0265215, MONDO:0018921.
Joubert syndrome. Also called: CEREBELLOPARENCHYMAL DISORDER IV; JOUBERT-BOLTSHAUSER SYNDROME; Familial aplasia of the vermis. Identifiers: Orphanet 475, MedGen C5979921, MONDO:0018772.
Nephronophthisis. Also called: Juvenile Nephronophthisis. Identifiers: Orphanet 655, MedGen C0687120, MONDO:0019005, HP:0000090.

Allele frequency attached by ClinVar (database versions not stated): gnomAD 0.00003; TOPMed 0.00003.
gnomAD v4.1: 9 of 1,528,450 alleles (0.00059%); highest among the groups gnomAD compares: African/African-American, 0.0084%; no homozygotes.

Submissions (3):

Labcorp Genetics (formerly Invitae), Labcorp
Classification: Likely benign for Joubert syndrome; Meckel-Gruber syndrome; Nephronophthisis. Last evaluated: 2024-01-30. Review status: criteria provided, single submitter. Criteria: Invitae Variant Classification Sherloc (09022015). Collection method: clinical testing. Allele origin: germline.

Ambry Genetics
Classification: Uncertain significance for Inborn genetic diseases. Last evaluated: 2021-03-23. Review status: criteria provided, single submitter. Criteria: Ambry Variant Classification Scheme 2023. Collection method: clinical testing. Allele origin: germline.
Comment: The c.6523-6T>C intronic alteration consists of a T to C substitution 6 nucleotides before exon 48 (coding exon 47) of the CEP290 gene. Based on insufficient or conflicting evidence, the clinical significance of this alteration remains unclear.

Eurofins Ntd Llc (ga)
Classification: Uncertain significance. Last evaluated: 2015-03-11. Review status: criteria provided, single submitter. Criteria: EGL Classification Definitions 2015. Collection method: clinical testing. Allele origin: germline. Observed: 1 variant allele, 1 heterozygote.

NM_025114.4(CEP290):c.6523-6T>C

Gene: CEP290 (centrosomal protein 290; minus strand). Cytogenetic location: 12q21.32.
Variant type: single nucleotide variant.
Coding change: c.6523-6T>C on transcript NM_025114.4 (MANE Select); 6 bases into the intron before coding-DNA position 6523, T replaced by C.
Molecular consequence: intron variant.
Genome position (GRCh38, 1-based): chr12:88,060,026, A>G on the plus strand (T>C on the coding strand, the complement: CEP290 is on the minus strand). VCF-style: chr12-88060026-A-G. GRCh37 (hg19) VCF-style: chr12-88453803-A-G.
Other names: c.6523-6T>C (NM_025114.3).
Identifiers: ClinVar variation 197598 (VCV000197598.15), dbSNP rs794727692, ClinGen allele CA245845.